The following is an entry in ClinVar:

NM_024642.5(GALNT12):c.945T>C (p.Phe315=)

Gene: GALNT12 (polypeptide N-acetylgalactosaminyltransferase 12; plus strand). Cytogenetic location: 9q22.33.
Variant type: single nucleotide variant.
Coding change: c.945T>C on transcript NM_024642.5 (MANE Select); coding-DNA position 945, T replaced by C.
Protein change: p.Phe315=; no amino-acid change (phenylalanine 315 retained).
Molecular consequence: synonymous variant.
Genome position (GRCh38, 1-based): chr9:98,835,276, T>C. VCF-style: chr9-98835276-T-C. GRCh37 (hg19) VCF-style: chr9-101597558-T-C.
Identifiers: ClinVar variation 2586473 (VCV002586473.3), dbSNP rs2490527296, ClinGen allele CA466424927.

ClinVar aggregate classification (germline): Benign/Likely benign. Review status: criteria provided, multiple submitters, no conflicts (2 of 4 stars). 2 submissions from 2 submitters: Benign (1); Likely benign (1). Last evaluated 2026-04-24.

Conditions:
Colorectal cancer, susceptibility to, 1. Also called: COLORECTAL ADENOMA AND CANCER, SUSCEPTIBILITY TO; COLORECTAL CANCER, SUSCEPTIBILITY TO, ON CHROMOSOME 9. Identifiers: MedGen C1837315, MONDO:0012132, OMIM 608812.

Submissions (2):

Myriad Genetics, Inc.
Classification: Benign for Colorectal cancer, susceptibility to, 1. Last evaluated: 2026-04-24. Review status: criteria provided, single submitter. Criteria: Myriad Autosomal Dominant, Autosomal Recessive and X-Linked Classification Criteria (2023). Collection method: clinical testing. Allele origin: unknown.
Comment: This variant is considered benign. This variant is a silent/synonymous amino acid change and it is not expected to impact splicing.

Ambry Genetics
Classification: Likely benign. Last evaluated: 2023-08-29. Review status: criteria provided, single submitter. Criteria: Ambry Variant Classification Scheme 2023. Collection method: clinical testing. Allele origin: germline.